The following is an entry in ClinVar:

NM_001130438.3(SPTAN1):c.215A>G (p.Tyr72Cys)

Gene: SPTAN1 (spectrin alpha, non-erythrocytic 1; plus strand). Cytogenetic location: 9q34.11.
Variant type: single nucleotide variant.
Coding change: c.215A>G on transcript NM_001130438.3 (MANE Select); coding-DNA position 215, A replaced by G.
Protein change: p.Tyr72Cys; replaces tyrosine 72 with cysteine.
Molecular consequence: missense variant.
Genome position (GRCh38, 1-based): chr9:128,566,955, A>G. VCF-style: chr9-128566955-A-G. GRCh37 (hg19) VCF-style: chr9-131329234-A-G.
Other names: c.215A>G, p.Tyr72Cys (NM_001195532.2, NM_001363759.2, NM_001363765.2 and 10 more transcripts); c.251A>G, p.Tyr84Cys (NM_001375312.2, NM_001375318.1, NM_001438440.1); short protein forms Y72C, Y84C.
Identifiers: ClinVar variation 4801834 (VCV004801834.1).

ClinVar aggregate classification (germline): Uncertain significance (1 of 4 stars; one submission).

Conditions:
Early-infantile DEE. Also called: Early infantile epileptic encephalopathy; Early infantile epileptic encephalopathy with suppression bursts; Ohtahara syndrome. Identifiers: Orphanet 1934, MedGen C0393706, MONDO:0800491.

Submission:

Labcorp Genetics (formerly Invitae), Labcorp
Classification: Uncertain significance for Early-infantile DEE. Last evaluated: 2025-03-25. Review status: criteria provided, single submitter. Criteria: Invitae Variant Classification Sherloc (09022015). Collection method: clinical testing. Allele origin: germline.
Comment: This sequence change replaces tyrosine, which is neutral and polar, with cysteine, which is neutral and slightly polar, at codon 72 of the SPTAN1 protein (p.Tyr72Cys). This variant is not present in population databases (gnomAD no frequency). This variant has not been reported in the literature in individuals affected with SPTAN1-related conditions. Invitae Evidence Modeling of protein sequence and biophysical properties (such as structural, functional, and spatial information, amino acid conservation, physicochemical variation, residue mobility, and thermodynamic stability) has been performed for this missense variant. However, the output from this modeling did not meet the statistical confidence thresholds required to predict the impact of this variant on SPTAN1 protein function. In summary, the available evidence is currently insufficient to determine the role of this variant in disease. Therefore, it has been classified as a Variant of Uncertain Significance.